The following is an entry in ClinVar:

NM_001377.3(DYNC2H1):c.3810G>A (p.Trp1270Ter)

Gene: DYNC2H1 (dynein cytoplasmic 2 heavy chain 1; plus strand). Cytogenetic location: 11q22.3.
Variant type: single nucleotide variant.
Coding change: c.3810G>A on transcript NM_001377.3 (MANE Select); coding-DNA position 3810, G replaced by A.
Protein change: p.Trp1270Ter; replaces tryptophan 1270 with a stop codon.
Molecular consequence: nonsense.
Genome position (GRCh38, 1-based): chr11:103,156,453, G>A. VCF-style: chr11-103156453-G-A. GRCh37 (hg19) VCF-style: chr11-103027182-G-A.
Other names: c.3810G>A, p.Trp1270Ter (NM_001080463.2); short protein forms W1270*.
Identifiers: ClinVar variation 5015241 (VCV005015241.1).

ClinVar aggregate classification (germline): Pathogenic (1 of 4 stars; one submission).

Conditions:
Asphyxiating thoracic dystrophy 3. Also called: SHORT-RIB THORACIC DYSPLASIA 3 WITH OR WITHOUT POLYDACTYLY; POLYDACTYLY WITH NEONATAL CHONDRODYSTROPHY, TYPE I; SHORT-RIB THORACIC DYSPLASIA 3/6 WITH POLYDACTYLY, DIGENIC; Short rib polydactyly syndrome 2B; Saldino-Noonan Syndrome. Identifiers: Orphanet 474, Orphanet 93269, Orphanet 93270, Orphanet 93271, MedGen C0036069, MONDO:0013127, OMIM 613091.

gnomAD v4.1: 1 of 1,613,692 alleles (0.000062%); highest among the groups gnomAD compares: Non-Finnish European, 0.000085%; no homozygotes.

Submission:

Myriad Genetics, Inc.
Classification: Pathogenic for Asphyxiating thoracic dystrophy 3. Last evaluated: 2025-11-19. Review status: criteria provided, single submitter. Criteria: Myriad Autosomal Dominant, Autosomal Recessive and X-Linked Classification Criteria (2023). Collection method: clinical testing. Allele origin: unknown.
Comment: NM_001377.2(DYNC2H1):c.3810G>A(W1270*) is expected to be pathogenic in the context of DYNC2H1-related disorders. This variant is predicted to lead to an abnormal or absent protein product due to the creation of a premature termination codon in DYNC2H1, a gene where loss-of-function variants are known to be pathogenic. Please note: this variant was assessed in the context of healthy population screening.